The following is an entry in ClinVar:

ClinVar aggregate classification (germline): Uncertain significance (1 of 4 stars; one submission).

Conditions:
Pitt-Hopkins-like syndrome 2 (PTHSL2). Identifiers: Orphanet 221150, Orphanet 600663, MedGen C3280479, MONDO:0013690, OMIM 614325.

Allele frequency attached by ClinVar (database versions not stated): TOPMed below 0.00001; gnomAD 0.00001; gnomAD exomes 0.00001.
gnomAD v4.1: 14 of 1,613,620 alleles (0.00087%); highest among the groups gnomAD compares: Non-Finnish European, 0.0012%; no homozygotes.

Submission:

Labcorp Genetics (formerly Invitae), Labcorp
Classification: Uncertain significance for Pitt-Hopkins-like syndrome 2. Last evaluated: 2023-12-02. Review status: criteria provided, single submitter. Criteria: Invitae Variant Classification Sherloc (09022015). Collection method: clinical testing. Allele origin: germline.
Comment: This sequence change replaces methionine, which is neutral and non-polar, with valine, which is neutral and non-polar, at codon 1032 of the NRXN1 protein (p.Met1032Val). This variant is not present in population databases (gnomAD no frequency). This variant has not been reported in the literature in individuals affected with NRXN1-related conditions. Advanced modeling of protein sequence and biophysical properties (such as structural, functional, and spatial information, amino acid conservation, physicochemical variation, residue mobility, and thermodynamic stability) performed at Invitae indicates that this missense variant is not expected to disrupt NRXN1 protein function with a negative predictive value of 80%. In summary, the available evidence is currently insufficient to determine the role of this variant in disease. Therefore, it has been classified as a Variant of Uncertain Significance.

NM_001330078.2(NRXN1):c.2974A>G (p.Met992Val)

Gene: NRXN1 (neurexin 1; minus strand). Cytogenetic location: 2p16.3.
Variant type: single nucleotide variant.
Coding change: c.2974A>G on transcript NM_001330078.2 (MANE Select); coding-DNA position 2974, A replaced by G.
Protein change: p.Met992Val; replaces methionine 992 with valine.
Molecular consequence: missense variant.
Genome position (GRCh38, 1-based): chr2:50,496,001, T>C on the plus strand (A>G on the coding strand, the complement: NRXN1 is on the minus strand). VCF-style: chr2-50496001-T-C. GRCh37 (hg19) VCF-style: chr2-50723139-T-C.
Other names: c.3094A>G, p.Met1032Val (NM_001135659.3); c.2950A>G, p.Met984Val (NM_001330077.2, NM_001330082.2); c.2908A>G, p.Met970Val (NM_001330083.2, NM_001330084.2); c.2947A>G, p.Met983Val (NM_001330085.2); c.2974A>G, p.Met992Val (NM_001330086.2, NM_004801.6); c.2863A>G, p.Met955Val (NM_001330087.2, NM_001330096.2); c.2893A>G, p.Met965Val (NM_001330088.2); c.2971A>G, p.Met991Val (NM_001330093.2); and 2 more; short protein forms M955V, M983V, M984V, M991V, M970V, M1032V, M992V, M965V.
Identifiers: ClinVar variation 2702524 (VCV002702524.3), dbSNP rs1489397500, ClinGen allele CA346776439.